The following is an entry in ClinVar:

ClinVar aggregate classification (germline): Benign. Review status: criteria provided, multiple submitters, no conflicts (2 of 4 stars). 3 submissions from 3 submitters: Benign (2). 1 of the submissions does not count toward it. Last evaluated 2018-12-04.

Conditions:
PLXNA4-related disorder. Also called: PLXNA4-related condition.

Allele frequency attached by ClinVar (database versions not stated): gnomAD 0.02741 and 0.02928; gnomAD exomes 0.00688; TOPMed 0.02992; 1000 Genomes Project 0.03235; ExAC 0.00834; ESP Exome Variant Server 0.02958; 1000 Genomes Project 30x 0.03279.
gnomAD v4.1: 8,027 of 1,613,590 alleles (0.5%); highest among the groups gnomAD compares: African/African-American, 9.6%; 363 homozygotes.

Submissions (3):

Labcorp Genetics (formerly Invitae), Labcorp
Classification: Benign. Last evaluated: 2018-12-04. Review status: criteria provided, single submitter. Criteria: Invitae Variant Classification Sherloc (09022015). Collection method: clinical testing. Allele origin: germline.

Breakthrough Genomics
Classification: Benign. Review status: criteria provided, single submitter. Criteria: ACMG Guidelines, 2015. Collection method: not provided. Allele origin: germline. Inheritance: Unknown mechanism. Affected: yes.

PreventionGenetics, part of Exact Sciences
Classification: Benign for PLXNA4-related condition. Last evaluated: 2022-11-22. Review status: no assertion criteria provided. Collection method: clinical testing. Allele origin: germline. Not counted in ClinVar's aggregate classification.
Comment: This variant is classified as benign based on ACMG/AMP sequence variant interpretation guidelines (Richards et al. 2015 PMID: 25741868, with internal and published modifications).

NM_020911.2(PLXNA4):c.3477G>A (p.Thr1159=)

Gene: PLXNA4 (plexin A4; minus strand). Cytogenetic location: 7q32.3.
Variant type: single nucleotide variant.
Coding change: c.3477G>A on transcript NM_020911.2 (MANE Select); coding-DNA position 3477, G replaced by A.
Protein change: p.Thr1159=; no amino-acid change (threonine 1159 retained).
Molecular consequence: synonymous variant.
Genome position (GRCh38, 1-based): chr7:132,181,396, C>T on the plus strand (G>A on the coding strand, the complement: PLXNA4 is on the minus strand). VCF-style: chr7-132181396-C-T. GRCh37 (hg19) VCF-style: chr7-131866155-C-T.
Other names: c.3477G>A, p.Thr1159= (NM_001393897.1).
Identifiers: ClinVar variation 780720 (VCV000780720.6), dbSNP rs10248377, ClinGen allele CA4489494.